The following is an entry in ClinVar:

NM_001614.5(ACTG1):c.123+5G>C

Gene: ACTG1 (actin gamma 1; minus strand). Cytogenetic location: 17q25.3.
Variant type: single nucleotide variant.
Coding change: c.123+5G>C on transcript NM_001614.5 (MANE Select); 5 bases into the intron after coding-DNA position 123, G replaced by C.
Molecular consequence: intron variant.
Genome position (GRCh38, 1-based): chr17:81,512,227, C>G on the plus strand (G>C on the coding strand, the complement: ACTG1 is on the minus strand). VCF-style: chr17-81512227-C-G. GRCh37 (hg19) VCF-style: chr17-79479253-C-G.
Other names: c.123+5G>C (NM_001199954.3).
Identifiers: ClinVar variation 2923906 (VCV002923906.3), dbSNP rs782606686, ClinGen allele CA8836383.

ClinVar aggregate classification (germline): Uncertain significance (1 of 4 stars; one submission).

Conditions:
Autosomal dominant nonsyndromic hearing loss 20. Identifiers: Orphanet 90635, MedGen C1858172, MONDO:0011480, OMIM 604717.
Baraitser-winter syndrome 2. Identifiers: Orphanet 2995, MedGen C3281235, MONDO:0013812, OMIM 614583.

gnomAD v4.1: 12 of 1,613,460 alleles (0.00074%); highest among the groups gnomAD compares: Non-Finnish European, 0.001%; no homozygotes.

Submission:

Labcorp Genetics (formerly Invitae), Labcorp
Classification: Uncertain significance for Baraitser-winter syndrome 2; Autosomal dominant nonsyndromic hearing loss 20. Last evaluated: 2024-03-14. Review status: criteria provided, single submitter. Criteria: Invitae Variant Classification Sherloc (09022015). Collection method: clinical testing. Allele origin: germline.
Comment: This sequence change falls in intron 2 of the ACTG1 gene. It does not directly change the encoded amino acid sequence of the ACTG1 protein. It affects a nucleotide within the consensus splice site. This variant is present in population databases (rs782606686, gnomAD 0.0009%). This variant has not been reported in the literature in individuals affected with ACTG1-related conditions. Variants that disrupt the consensus splice site are a relatively common cause of aberrant splicing (PMID: 17576681, 9536098). Algorithms developed to predict the effect of sequence changes on RNA splicing suggest that this variant is not likely to affect RNA splicing. In summary, the available evidence is currently insufficient to determine the role of this variant in disease. Therefore, it has been classified as a Variant of Uncertain Significance.

Literature cited by the submitters: PubMed 17576681; PubMed 9536098.